The following is an entry in ClinVar:

NM_007294.4(BRCA1):c.5051del (p.Thr1684fs)

Gene: BRCA1 (BRCA1 DNA repair associated; minus strand). Cytogenetic location: 17q21.31.
Variant type: Deletion.
Coding change: c.5051del on transcript NM_007294.4 (MANE Select); coding-DNA position 5051, one base deleted (C; older notation c.5051delC).
Protein change: p.Thr1684fs; shifts the reading frame from threonine 1684.
Molecular consequence: frameshift variant. On other transcripts: non-coding transcript variant (1).
Genome position (GRCh38, 1-based): chr17:43,067,631, G deleted on the plus strand (C on the coding strand, the reverse complement: BRCA1 is on the minus strand). VCF-style (leftmost placement, unchanged base first): chr17-43067630-AG-A. GRCh37 (hg19) VCF-style: chr17-41219647-AG-A.
Other names: c.4838delC, p.Thr1613Ilefs (NM_001407571.1, NM_001407894.1, NM_001407895.1 and 12 more transcripts); c.5117delC, p.Thr1706Ilefs (NM_001407581.1, NM_001407582.1); c.5114delC, p.Thr1705Ilefs (NM_001407583.1, NM_001407585.1, NM_001407587.1); c.5111delC, p.Thr1704Ilefs (NM_001407590.1, NM_001407591.1); c.5051delC, p.Thr1684Ilefs (NM_001407593.1, NM_001407594.1, NM_001407596.1 and 8 more transcripts); c.5048delC, p.Thr1683Ilefs (NM_001407610.1, NM_001407611.1, NM_001407612.1 and 17 more transcripts); c.5045delC, p.Thr1682Ilefs (NM_001407627.1, NM_001407628.1, NM_001407629.1 and 14 more transcripts); c.5042delC, p.Thr1681Ilefs (NM_001407644.1, NM_001407645.1); and 73 more; short protein forms T1637fs, T1684fs, T1705fs, T580fs.
Identifiers: ClinVar variation 431271 (VCV000431271.3), dbSNP rs1135401881, ClinGen allele CA645373160.
Genomic context (GRCh38, chr17:43,067,630, plus strand): 5'-AGCAGATGCAAGGTATTCTGTAAAGGTTCTTGGTATACCTGTTTTCATAACAACATGAGT[AG>A]TCTCTTCAGTAATTAGATTAGTTAAAGTGATGTGGTGTTTTCTGGCAAACTTGTACACGA-3'

ClinVar aggregate classification (germline): Pathogenic. Review status: reviewed by expert panel (3 of 4 stars). 3 submissions from 3 submitters: Pathogenic (1). 2 of the submissions do not count toward it. Last evaluated 2017-12-15.

Conditions:
Hereditary breast ovarian cancer syndrome. Also called: Hereditary breast and ovarian cancer syndrome (HBOC); BRCA1- and BRCA2-Associated Hereditary Breast and Ovarian Cancer; Hereditary breast and/or ovarian cancer syndrome; Hereditary breast and ovarian cancer syndrome; Hereditary breast and ovarian cancer; Breast and ovarian cancer. Identifiers: Orphanet 145, MedGen C0677776, MeSH D061325, MONDO:0003582. Disease mechanism: loss of function.
Hereditary cancer-predisposing syndrome. Also called: Neoplastic Syndromes, Hereditary; Hereditary neoplastic syndrome; Tumor predisposition; Hereditary Cancer Syndrome. Identifiers: Orphanet 140162, MedGen C0027672, MeSH D009386, MONDO:0015356.
Breast-ovarian cancer, familial, susceptibility to, 1 (BROVCA1). Also called: BRCA1 Hereditary Breast and Ovarian Cancer; OVARIAN CANCER, SUSCEPTIBILITY TO. Identifiers: Orphanet 145, MedGen C2676676, MONDO:0011450, OMIM 604370. Disease mechanism: loss of function.

Submissions (3):

Evidence-based Network for the Interpretation of Germline Mutant Alleles (ENIGMA)
Classification: Pathogenic for Breast-ovarian cancer, familial, susceptibility to, 1. Last evaluated: 2017-12-15. Review status: reviewed by expert panel. Criteria: ENIGMA BRCA1/2 Classification Criteria (2017-06-29). Collection method: curation. Allele origin: germline. Study: ENIGMA.
Comment: Variant allele predicted to encode a truncated non-functional protein.

Ambry Genetics
Classification: Pathogenic for Hereditary cancer-predisposing syndrome. Last evaluated: 2026-06-05. Review status: criteria provided, single submitter. Criteria: Ambry Variant Classification Scheme 2023. Collection method: clinical testing. Allele origin: germline. Not counted in ClinVar's aggregate classification.
Comment: The c.5051delC pathogenic mutation, located in coding exon 15 of the BRCA1 gene, results from a deletion of one nucleotide at nucleotide position 5051, causing a translational frameshift with a predicted alternate stop codon (p.T1684Ifs*6). This variant is considered to be rare based on population cohorts in the Genome Aggregation Database (gnomAD). This variant is expected to result in loss of function by premature protein truncation or nonsense-mediated mRNA decay. As such, this variant is interpreted as a disease-causing mutation.

Research Molecular Genetics Laboratory, Women's College Hospital, University of Toronto
Classification: Pathogenic for Hereditary breast ovarian cancer syndrome. Last evaluated: 2014-01-31. Review status: no assertion criteria provided. Collection method: research. Allele origin: germline. Affected: yes. Study: The Canadian Open Genetics Repository (COGR). Not counted in ClinVar's aggregate classification.